The following is an entry in ClinVar:

NM_001288705.3(CSF1R):c.1488G>T (p.Trp496Cys)

Gene: CSF1R (colony stimulating factor 1 receptor; minus strand). Cytogenetic location: 5q32.
Variant type: single nucleotide variant.
Coding change: c.1488G>T on transcript NM_001288705.3 (MANE Select); coding-DNA position 1488, G replaced by T.
Protein change: p.Trp496Cys; replaces tryptophan 496 with cysteine.
Molecular consequence: missense variant. On other transcripts: non-coding transcript variant (2).
Genome position (GRCh38, 1-based): chr5:150,069,895, C>A on the plus strand (G>T on the coding strand, the complement: CSF1R is on the minus strand). VCF-style: chr5-150069895-C-A. GRCh37 (hg19) VCF-style: chr5-149449458-C-A.
Other names: c.1488G>T, p.Trp496Cys (NM_001349736.2, NM_001375320.1, NM_005211.4); c.1044G>T, p.Trp348Cys (NM_001375321.1); short protein forms W348C, W496C.
Identifiers: ClinVar variation 1461576 (VCV001461576.8), dbSNP rs2113808016, ClinGen allele CA361719632.

ClinVar aggregate classification (germline): Uncertain significance (1 of 4 stars; one submission).

Submission:

Labcorp Genetics (formerly Invitae), Labcorp
Classification: Uncertain significance. Last evaluated: 2021-04-26. Review status: criteria provided, single submitter. Criteria: Invitae Variant Classification Sherloc (09022015). Collection method: clinical testing. Allele origin: germline.
Comment: This sequence change replaces tryptophan with cysteine at codon 496 of the CSF1R protein (p.Trp496Cys). The tryptophan residue is weakly conserved and there is a large physicochemical difference between tryptophan and cysteine. In summary, the available evidence is currently insufficient to determine the role of this variant in disease. Therefore, it has been classified as a Variant of Uncertain Significance. Advanced modeling of protein sequence and biophysical properties (such as structural, functional, and spatial information, amino acid conservation, physicochemical variation, residue mobility, and thermodynamic stability) performed at Invitae indicates that this missense variant is not expected to disrupt CSF1R protein function. This variant has not been reported in the literature in individuals with CSF1R-related conditions. This variant is not present in population databases (ExAC no frequency).